The following is an entry in ClinVar:

NM_000545.8(HNF1A):c.-6C>T

Gene: HNF1A (HNF1 homeobox A; plus strand). Cytogenetic location: 12q24.31.
Variant type: single nucleotide variant.
Coding change: c.-6C>T on transcript NM_000545.8 (MANE Select); 6 bases upstream of the start codon, C replaced by T.
Molecular consequence: 5 prime UTR variant.
Genome position (GRCh38, 1-based): chr12:120,978,763, C>T. VCF-style: chr12-120978763-C-T. GRCh37 (hg19) VCF-style: chr12-121416566-C-T.
Other names: c.-6C>T (NM_001306179.2).
Identifiers: ClinVar variation 307454 (VCV000307454.11), dbSNP rs779387337, ClinGen allele CA6831648.
Genomic context (GRCh38, chr12:120,978,763, plus strand): 5'-CCCACGCGGTGGGGGAGGCGGCTAGCGTGGTGGACCCGGGCCGCGTGGCCCTGTGGCAGC[C>T]GAGCCATGGTTTCTAAACTGAGCCAGCTGCAGACGGAGCTCCTGGCGGCCCTGCTCGAGT-3'

ClinVar aggregate classification (germline): Uncertain significance. Review status: reviewed by expert panel (3 of 4 stars). 4 submissions from 4 submitters: Uncertain significance (1). 3 of the submissions do not count toward it. Last evaluated 2025-11-26.

Conditions:
Monogenic diabetes. Identifiers: Orphanet 183625, MedGen C3888631, MONDO:0015967.
Maturity-onset diabetes of the young (MODY). Also called: Maturity onset diabetes mellitus in young. Identifiers: Orphanet 552, MedGen C0342276, MONDO:0018911, HP:0004904.
Maturity-onset diabetes of the young type 3. Also called: MODY type 3; MODY, type III. Identifiers: Orphanet 552, MedGen C1838100, MeSH C563933, MONDO:0010894, OMIM 600496. Disease mechanism: loss of function.

Allele frequency attached by ClinVar (database versions not stated): gnomAD 0.00001; TOPMed 0.00001; ExAC 0.00004.
gnomAD v4.1: 19 of 1,612,112 alleles (0.0012%); highest among the groups gnomAD compares: East Asian, 0.0067%; no homozygotes.

Submissions (4):

ClinGen Monogenic Diabetes Variant Curation Expert Panel
Classification: Uncertain significance for Monogenic diabetes. Last evaluated: 2025-11-26. Review status: reviewed by expert panel. Criteria: ClinGen Diabetes ACMG Specifications HNF1A V3.1.0. Collection method: curation. Allele origin: germline. Inheritance: Autosomal dominant inheritance.
Comment: The c.-6C>T variant in the HNF1 homeobox A gene, HNF1A, is a single nucleotide variant within the 5'UTR of NM_000545.8. This variant has a Grpmax filtering allele frequency of 0.00001773 in gnomAD v4.1.0, which falls between ClinGen MDEP-established cutoffs for PM2_Supporting and BS1; thus, neither criterion will be applied. This variant was identified in an individual with diabetes; however, the calculated MODY probability is <50% (internal lab contributors), thus PP4 cannot be applied. In summary, c.-6C>T meets the criteria to be classified as a variant of uncertain significance for monogenic diabetes. ACMG/AMP criteria applied, as specified by the ClinGen MDEP (specification version 3.1.0 approved 10/10/2025): none.

Blueprint Genetics
Classification: Likely benign. Last evaluated: 2022-09-06. Review status: criteria provided, single submitter. Criteria: ACMG Guidelines, 2015. Collection method: clinical testing. Allele origin: germline. Not counted in ClinVar's aggregate classification.

Illumina Laboratory Services, Illumina
Classification: Likely benign for Maturity-onset diabetes of the young type 3. Last evaluated: 2018-01-12. Review status: criteria provided, single submitter. Criteria: ICSL Variant Classification Criteria 13 December 2019. Collection method: clinical testing. Allele origin: germline. Not counted in ClinVar's aggregate classification.
Comment: This variant was observed in the ICSL laboratory as part of a predisposition screen in an ostensibly healthy population. It had not been previously curated by ICSL or reported in the Human Gene Mutation Database (HGMD: prior to June 1st, 2018), and was therefore a candidate for classification through an automated scoring system. Utilizing variant allele frequency, disease prevalence and penetrance estimates, and inheritance mode, an automated score was calculated to assess if this variant is too frequent to cause the disease. Based on the score and internal cut-off values, a variant classified as likely benign is not then subjected to further curation. The score for this variant resulted in a classification of likely benign for this disease.

Clinical Genomics, Uppaluri K&H Personalized Medicine Clinic
Classification: Benign for Maturity-onset diabetes of the young. Review status: criteria provided, single submitter. Criteria: K & H Uppaluri Personalized Medicine Clinic Variant Classification & Assertion Criteria_Updated V.1. Collection method: research. Allele origin: unknown. Inheritance: Autosomal dominant inheritance. Not counted in ClinVar's aggregate classification.
Comment: Mutations in HNF1A gene can predispose to MODY3. It is associated with both micro and macrovascular complications of diabetes, especially cardiovascular complications. Associated with glucosuria. May respond well to sulfonylureas. However, more evidence is required to confer the association of this particular variant rs779387337 with MODY3.

Literature cited by the submitters: PubMed 31517624 (cited by Clinical Genomics, Uppaluri K&H Personalized Medicine Clinic); PubMed 32395877 (cited by Clinical Genomics, Uppaluri K&H Personalized Medicine Clinic); PubMed 35328643 (cited by Clinical Genomics, Uppaluri K&H Personalized Medicine Clinic); PubMed 35673428 (cited by Clinical Genomics, Uppaluri K&H Personalized Medicine Clinic).